The following is an entry in ClinVar:

NM_000593.6(TAP1):c.316_336dup (p.Ala106_Leu112dup)

Gene: TAP1 (transporter 1, ATP binding cassette subfamily B member; minus strand). Cytogenetic location: 6p21.32.
Variant type: Duplication.
Coding change: c.316_336dup on transcript NM_000593.6 (MANE Select); coding-DNA positions 316 to 336, 21 bases duplicated (GCCCTGCCGGGACTTGCCTTG).
Protein change: p.Ala106_Leu112dup.
Molecular consequence: inframe insertion.
Genome position (GRCh38, 1-based): chr6:32,853,301-32,853,321, CAAGGCAAGTCCCGGCAGGGC duplicated on the plus strand (GCCCTGCCGGGACTTGCCTTG on the coding strand, the reverse complement: TAP1 is on the minus strand); duplicating any 21 consecutive bases within chr6:32,853,301-32,853,325 gives the same sequence; the c. name uses the placement nearest the transcript's 3' end. VCF-style (leftmost placement, unchanged base first): chr6-32853300-A-ACAAGGCAAGTCCCGGCAGGGC. GRCh37 (hg19) VCF-style: chr6-32821077-A-ACAAGGCAAGTCCCGGCAGGGC.
Identifiers: ClinVar variation 534704 (VCV000534704.6), dbSNP rs1311169361, ClinGen allele CA566698088.
Genomic context (GRCh38, chr6:32,853,300, plus strand): 5'-AGTGCAGTAGCCTGGTGCTATCCGCGGACCCGGGGGCTCCCCATGAGATCAGCTCTCGGA[A>ACAAGGCAAGTCCCGGCAGGGC]CAAGGCAAGTCCCGGCAGGGCCAAGCCCAGTGCCGCAGCTAATGGCTTCAAAGCAGCCAG-3'

ClinVar aggregate classification (germline): Uncertain significance (1 of 4 stars; one submission).

Conditions:
MHC class I deficiency. Identifiers: Orphanet 34592, MedGen C6024714, MONDO:0011476.

Submission:

Labcorp Genetics (formerly Invitae), Labcorp
Classification: Uncertain significance for MHC class I deficiency 1. Last evaluated: 2021-09-02. Review status: criteria provided, single submitter. Criteria: Invitae Variant Classification Sherloc (09022015). Collection method: clinical testing. Allele origin: germline.
Comment: This variant, c.496_516dup, results in the insertion of 7 amino acid(s) to the TAP1 protein (p.Ala166_Leu172dup), but otherwise preserves the integrity of the reading frame. This variant is not present in population databases (ExAC no frequency). This variant has not been reported in the literature in individuals affected with TAP1-related conditions. Experimental studies and prediction algorithms are not available or were not evaluated, and the functional significance of this variant is currently unknown. In summary, the available evidence is currently insufficient to determine the role of this variant in disease. Therefore, it has been classified as a Variant of Uncertain Significance.